The following is an entry in ClinVar:

ClinVar aggregate classification (germline): Uncertain significance (1 of 4 stars; one submission).

Conditions:
Neurofibromatosis, type 1 (NF1). Also called: VON RECKLINGHAUSEN DISEASE; Neurofibromatosis, type I; NEUROFIBROMATOSIS, TYPE I, SOMATIC; Peripheral type neurofibromatosis. Identifiers: Orphanet 636, MedGen C0027831, MONDO:0018975, OMIM 162200. Disease mechanism: loss of function.

Submission:

Labcorp Genetics (formerly Invitae), Labcorp
Classification: Uncertain significance for Neurofibromatosis, type 1. Last evaluated: 2025-03-30. Review status: criteria provided, single submitter. Criteria: Invitae Variant Classification Sherloc (09022015). Collection method: clinical testing. Allele origin: germline.
Comment: This sequence change replaces aspartic acid, which is acidic and polar, with valine, which is neutral and non-polar, at codon 1069 of the NF1 protein (p.Asp1069Val). This variant is not present in population databases (gnomAD no frequency). This variant has not been reported in the literature in individuals affected with NF1-related conditions. Invitae Evidence Modeling of protein sequence and biophysical properties (such as structural, functional, and spatial information, amino acid conservation, physicochemical variation, residue mobility, and thermodynamic stability) indicates that this missense variant is expected to disrupt NF1 protein function with a positive predictive value of 95%. In summary, the available evidence is currently insufficient to determine the role of this variant in disease. Therefore, it has been classified as a Variant of Uncertain Significance.

NM_001042492.3(NF1):c.3206A>T (p.Asp1069Val)

Gene: NF1 (neurofibromin 1; plus strand). Cytogenetic location: 17q11.2.
Variant type: single nucleotide variant.
Coding change: c.3206A>T on transcript NM_001042492.3 (MANE Select); coding-DNA position 3206, A replaced by T.
Protein change: p.Asp1069Val; replaces aspartic acid 1069 with valine.
Molecular consequence: missense variant.
Genome position (GRCh38, 1-based): chr17:31,232,081, A>T. VCF-style: chr17-31232081-A-T. GRCh37 (hg19) VCF-style: chr17-29559099-A-T.
Other names: c.3206A>T, p.Asp1069Val (NM_000267.4); short protein forms D1069V.
Identifiers: ClinVar variation 4800744 (VCV004800744.1).